The following is an entry in ClinVar:

ClinVar aggregate classification (germline): Uncertain significance (1 of 4 stars; one submission).

Conditions:
Inborn genetic diseases. Identifiers: MedGen C0950123, MeSH D030342.

Submission:

Ambry Genetics
Classification: Uncertain significance for Inborn genetic diseases. Last evaluated: 2025-12-18. Review status: criteria provided, single submitter. Criteria: Ambry Variant Classification Scheme 2023. Collection method: clinical testing. Allele origin: germline.
Comment: The p.G172D variant (also known as c.515G>A), located in coding exon 2 of the GATA2 gene, results from a G to A substitution at nucleotide position 515. The glycine at codon 172 is replaced by aspartic acid, an amino acid with similar properties. This amino acid position is well conserved in available vertebrate species. In addition, the in silico prediction for this alteration is inconclusive. Based on the available evidence, the clinical significance of this variant remains unclear.

NM_032638.5(GATA2):c.515G>A (p.Gly172Asp)

Gene: GATA2 (GATA binding protein 2; minus strand). Cytogenetic location: 3q21.3.
Variant type: single nucleotide variant.
Coding change: c.515G>A on transcript NM_032638.5 (MANE Select); coding-DNA position 515, G replaced by A.
Protein change: p.Gly172Asp; replaces glycine 172 with aspartic acid.
Molecular consequence: missense variant.
Genome position (GRCh38, 1-based): chr3:128,486,083, C>T on the plus strand (G>A on the coding strand, the complement: GATA2 is on the minus strand). VCF-style: chr3-128486083-C-T. GRCh37 (hg19) VCF-style: chr3-128204926-C-T.
Other names: c.515G>A, p.Gly172Asp (NM_001145661.2, NM_001145662.1); short protein forms G172D.
Identifiers: ClinVar variation 4842556 (VCV004842556.1).